The following is an entry in ClinVar:

ClinVar aggregate classification (germline): Likely pathogenic (1 of 4 stars; one submission).

gnomAD v4.1: 4 of 1,539,064 alleles (0.00026%); highest among the groups gnomAD compares: Admixed American, 0.0017%; no homozygotes.

Submission:

Dasa
Classification: Likely pathogenic. Last evaluated: 2025-11-20. Review status: criteria provided, single submitter. Criteria: DASA Assertion Criteria. Collection method: clinical testing. Allele origin: germline.
Comment: NM_002662.5(PLD1):c.1062G>A (p.Trp354*) is a nonsense variant in PLD1 predicted to introduce a premature termination codon and is predicted to result in an absent or altered protein product. Loss of function is an established disease mechanism for PLD1-associated disorders. Also, this variant is rare in population databases. Based on the currently available evidence, this variant is classified as likely pathogenic.

NM_002662.5(PLD1):c.1062G>A (p.Trp354Ter)

Gene: PLD1 (phospholipase D1; minus strand). Cytogenetic location: 3q26.31.
Variant type: single nucleotide variant.
Coding change: c.1062G>A on transcript NM_002662.5 (MANE Select); coding-DNA position 1062, G replaced by A.
Protein change: p.Trp354Ter; replaces tryptophan 354 with a stop codon.
Molecular consequence: nonsense.
Genome position (GRCh38, 1-based): chr3:171,708,838, C>T on the plus strand (G>A on the coding strand, the complement: PLD1 is on the minus strand). VCF-style: chr3-171708838-C-T. GRCh37 (hg19) VCF-style: chr3-171426628-C-T.
Other names: c.1062G>A, p.Trp354Ter (NM_001130081.3); short protein forms W354*.
Identifiers: ClinVar variation 4882571 (VCV004882571.2).
Genomic context (GRCh38, chr3:171,708,838, plus strand): 5'-TTCATTTGCCTCTTCCATTGCATTTGCCACATCTTCAAAATATCCTTTGGCATTAACATA[C>T]CTGAAAGACAAGTTTATTGTTCCTTTTTGTTATTAAAAAAGAAAAGAAAAGAAACTTATC-3'